The following is an entry in ClinVar:

ClinVar aggregate classification (germline): Uncertain significance. Review status: criteria provided, multiple submitters, no conflicts (2 of 4 stars). 4 submissions from 4 submitters: Uncertain significance (4). Last evaluated 2025-04-09.

Conditions:
Cardiovascular phenotype. Identifiers: MedGen CN230736.
Inborn genetic diseases. Identifiers: MedGen C0950123, MeSH D030342.
Combined oxidative phosphorylation defect type 8. Also called: CARDIOMYOPATHY, HYPERTROPHIC MITOCHONDRIAL, FATAL INFANTILE. Identifiers: Orphanet 319504, MedGen C4518839, MONDO:0013570, OMIM 614096.

Allele frequency attached by ClinVar (database versions not stated): ExAC 0.00002; gnomAD 0.00002 and 0.00004; gnomAD exomes 0.00002 and 0.00007; TOPMed 0.00005.
gnomAD v4.1: 110 of 1,614,000 alleles (0.0068%); highest among the groups gnomAD compares: Non-Finnish European, 0.0086%; no homozygotes.

Submissions (4):

Molecular Diagnostic Laboratory for Inherited Cardiovascular Disease, Montreal Heart Institute
Classification: Uncertain significance for Cardiovascular phenotype. Last evaluated: 2025-04-09. Review status: criteria provided, single submitter. Criteria: ACMG Guidelines, 2015. Collection method: clinical testing. Allele origin: germline. Affected: yes.

Ambry Genetics
Classification: Uncertain significance for Inborn genetic diseases. Last evaluated: 2024-06-17. Review status: criteria provided, single submitter. Criteria: Ambry Variant Classification Scheme 2023. Collection method: clinical testing. Allele origin: germline.

GeneDx
Classification: Uncertain significance. Last evaluated: 2024-04-29. Review status: criteria provided, single submitter. Criteria: GeneDx Variant Classification Process June 2021. Collection method: clinical testing. Allele origin: germline. Affected: yes.
Comment: Not observed at significant frequency in large population cohorts (gnomAD); In silico analysis indicates that this missense variant does not alter protein structure/function; Has not been previously published as pathogenic or benign to our knowledge

Illumina Laboratory Services, Illumina
Classification: Uncertain significance for Combined oxidative phosphorylation defect type 8. Last evaluated: 2018-01-19. Review status: criteria provided, single submitter. Criteria: ICSL Variant Classification Criteria 13 December 2019. Collection method: clinical testing. Allele origin: germline.

NM_020745.4(AARS2):c.2297T>G (p.Ile766Ser)

Gene: AARS2 (alanyl-tRNA synthetase 2, mitochondrial; minus strand). Cytogenetic location: 6p21.1.
Variant type: single nucleotide variant.
Coding change: c.2297T>G on transcript NM_020745.4 (MANE Select); coding-DNA position 2297, T replaced by G.
Protein change: p.Ile766Ser; replaces isoleucine 766 with serine.
Molecular consequence: missense variant.
Genome position (GRCh38, 1-based): chr6:44,302,869, A>C on the plus strand (T>G on the coding strand, the complement: AARS2 is on the minus strand). VCF-style: chr6-44302869-A-C. GRCh37 (hg19) VCF-style: chr6-44270606-A-C.
Other names: c.2297T>G (NM_020745.2); short protein forms I766S.
Identifiers: ClinVar variation 910126 (VCV000910126.7), dbSNP rs200410313, ClinGen allele CA3834029.